The following is an entry in ClinVar:

NM_015665.6(AAAS):c.1331+3_1331+4delinsGC

Gene: AAAS (aladin WD repeat nucleoporin; minus strand). Cytogenetic location: 12q13.13.
Variant type: Indel.
Coding change: c.1331+3_1331+4delinsGC on transcript NM_015665.6 (MANE Select); bases 3 to 4 of the intron after coding-DNA position 1331, AA replaced by GC.
Molecular consequence: intron variant.
Genome position (GRCh38, 1-based): chr12:53,308,048-53,308,049, TT replaced by GC on the plus strand (AA replaced by GC on the coding strand, the reverse complement: AAAS is on the minus strand). VCF-style: chr12-53308048-TT-GC. GRCh37 (hg19) VCF-style: chr12-53701832-TT-GC.
Other names: c.1232+3_1232+4delinsGC (NM_001173466.2).
Identifiers: ClinVar variation 3363960 (VCV003363960.1).

ClinVar aggregate classification (germline): Uncertain significance (1 of 4 stars; one submission).

Submission:

GeneDx
Classification: Uncertain significance. Last evaluated: 2023-11-03. Review status: criteria provided, single submitter. Criteria: GeneDx Variant Classification Process June 2021. Collection method: clinical testing. Allele origin: germline. Affected: yes.
Comment: Not observed at significant frequency in large population cohorts (gnomAD); Has not been previously published as pathogenic or benign to our knowledge; In silico analysis is inconclusive as to whether the variant alters gene splicing. In the absence of RNA/functional studies, the actual effect of this sequence change is unknown.